The following is an entry in ClinVar:

NM_138694.4(PKHD1):c.9974del (p.Phe3325fs)

Gene: PKHD1 (PKHD1 ciliary IPT domain containing fibrocystin/polyductin; minus strand). Cytogenetic location: 6p12.3.
Variant type: Deletion.
Coding change: c.9974del on transcript NM_138694.4 (MANE Select); coding-DNA position 9974, one base deleted (T; older notation c.9974delT).
Protein change: p.Phe3325fs; shifts the reading frame from phenylalanine 3325.
Molecular consequence: frameshift variant.
Genome position (GRCh38, 1-based): chr6:51,746,745, A deleted on the plus strand (T on the coding strand, the reverse complement: PKHD1 is on the minus strand); the first of 2 consecutive A bases (chr6:51,746,745-51,746,746); deleting either gives the same sequence. VCF-style (leftmost placement, unchanged base first): chr6-51746744-GA-G. GRCh37 (hg19) VCF-style: chr6-51611542-GA-G.
Other names: c.9974del, p.Phe3325fs (NM_170724.3); c.9974del (NM_138694.3); short protein forms F3325fs.
Identifiers: ClinVar variation 2677878 (VCV002677878.2), dbSNP rs2533775595, ClinGen allele CA2679078433.
Genomic context (GRCh38, chr6:51,746,744, plus strand): 5'-CATAAATATGGCTTATTATAAATACTAAAAATTATACCTGGGTTGTAATGAAGGAAAGTA[GA>G]ACTTGTTTTTATCTTTTATCTTTAGCATCCTGGTCCTCTCTGCTGTTATTGGGTGCATAA-3'

ClinVar aggregate classification (germline): Likely pathogenic. Review status: criteria provided, multiple submitters, no conflicts (2 of 4 stars). 2 submissions from 2 submitters: Likely pathogenic (2). Last evaluated 2026-01-15.

Conditions:
Autosomal recessive polycystic kidney disease (ARPKD). Also called: AR polycystic kidney disease. Identifiers: Orphanet 731, Orphanet 8378, MedGen C0085548, MeSH D017044, MONDO:0009889.
Polycystic kidney disease 4 (PKD4). Also called: POLYCYSTIC KIDNEY AND HEPATIC DISEASE 1; POLYCYSTIC KIDNEY DISEASE, INFANTILE, TYPE I; PKD3; POLYCYSTIC KIDNEY DISEASE 4 WITH OR WITHOUT POLYCYSTIC LIVER DISEASE; Autosomal Recessive Polycystic Kidney Disease – PKHD1. Identifiers: MedGen C4540575, MONDO:0033004, OMIM 263200.

Submissions (2):

Natera, Inc.
Classification: Likely pathogenic for Autosomal recessive polycystic kidney disease. Last evaluated: 2026-01-15. Review status: criteria provided, single submitter. Criteria: Natera Variant Classification Schema (03/2026). Collection method: clinical testing. Allele origin: germline.
Comment: The c.9974del variant in PKHD1 is a frameshift variant predicted to shift the reading frame beginning at codon 3325 and leads to a stop codon 12 codons downstream. This variant is expected to result in nonsense mediated decay, truncation, or a dysfunctional protein product. This variant is rare in the general population with a frequency below the threshold expected for the associated phenotype(s). Given the available evidence, this variant is classified as Likely Pathogenic.

Baylor Genetics
Classification: Likely pathogenic for Polycystic kidney disease 4. Last evaluated: 2022-01-11. Review status: criteria provided, single submitter. Criteria: ACMG Guidelines, 2015. Collection method: clinical testing. Allele origin: unknown.